The following is an entry in ClinVar:

ClinVar aggregate classification (germline): Pathogenic (1 of 4 stars; one submission).

Submission:

GeneDx
Classification: Pathogenic. Last evaluated: 2026-08-04. Review status: criteria provided, single submitter. Criteria: GeneDx Variant Classification Process June 2021. Collection method: clinical testing. Allele origin: germline.
Comment: Reported as 6404delC due to the use of alternate nomenclature in two members of one family with episodic ataxia (PMID: 14718690); Frameshift variant predicted to result in protein truncation or nonsense mediated decay in a gene for which loss of function is a known mechanism of disease; Not observed at significant frequency in large population cohorts (gnomAD); This variant is associated with the following publications: (PMID: 14718690)

NM_001127222.2(CACNA1A):c.6155del (p.Pro2052fs)

Gene: CACNA1A (calcium voltage-gated channel subunit alpha1 A; minus strand). Cytogenetic location: 19p13.13.
Variant type: Deletion.
Coding change: c.6155del on transcript NM_001127222.2 (MANE Select); coding-DNA position 6155, one base deleted (C; older notation c.6155delC).
Protein change: p.Pro2052fs; shifts the reading frame from proline 2052.
Molecular consequence: frameshift variant.
Genome position (GRCh38, 1-based): chr19:13,212,418, G deleted on the plus strand (C on the coding strand, the reverse complement: CACNA1A is on the minus strand); the first of 6 consecutive G bases (chr19:13,212,418-13,212,423); deleting any one gives the same sequence. VCF-style (leftmost placement, unchanged base first): chr19-13212417-AG-A. GRCh37 (hg19) VCF-style: chr19-13323231-AG-A.
Other names: c.6173del, p.Pro2058fs (NM_000068.4, NM_023035.3); c.6158del, p.Pro2053fs (NM_001127221.2); c.6164del, p.Pro2055fs (NM_001174080.2); short protein forms P2052fs, P2053fs, P2055fs, P2058fs.
Identifiers: ClinVar variation 1695762 (VCV001695762.4), dbSNP rs1158454977, ClinGen allele CA2580096606.